The following is an entry in ClinVar:

ClinVar aggregate classification (germline): Uncertain significance. Review status: criteria provided, multiple submitters, no conflicts (2 of 4 stars). 2 submissions from 2 submitters: Uncertain significance (2). Last evaluated 2025-10-21.

Conditions:
Inborn genetic diseases. Identifiers: MedGen C0950123, MeSH D030342.

Allele frequency attached by ClinVar (database versions not stated): ExAC 0.00002; TOPMed 0.00002; gnomAD 0.00003.
gnomAD v4.1: 25 of 1,586,620 alleles (0.0016%); highest among the groups gnomAD compares: Admixed American, 0.011%; no homozygotes.

Submissions (2):

Labcorp Genetics (formerly Invitae), Labcorp
Classification: Uncertain significance. Last evaluated: 2025-10-21. Review status: criteria provided, single submitter. Criteria: Invitae Variant Classification Sherloc (09022015). Collection method: clinical testing. Allele origin: germline.
Comment: This sequence change replaces threonine, which is neutral and polar, with methionine, which is neutral and non-polar, at codon 381 of the TRAF3IP1 protein (p.Thr381Met). This variant is present in population databases (rs766887017, gnomAD 0.02%). This variant has not been reported in the literature in individuals affected with TRAF3IP1-related conditions. ClinVar contains an entry for this variant (Variation ID: 960194). An algorithm developed to predict the effect of missense changes on protein structure and function (PolyPhen-2) suggests that this variant is likely to be disruptive. In summary, the available evidence is currently insufficient to determine the role of this variant in disease. Therefore, it has been classified as a Variant of Uncertain Significance.

Ambry Genetics
Classification: Uncertain significance for Inborn genetic diseases. Last evaluated: 2023-04-27. Review status: criteria provided, single submitter. Criteria: Ambry Variant Classification Scheme 2023. Collection method: clinical testing. Allele origin: germline.

NM_015650.4(TRAF3IP1):c.1142C>T (p.Thr381Met)

Gene: TRAF3IP1 (TRAF3 interacting protein 1; plus strand). Cytogenetic location: 2q37.3.
Variant type: single nucleotide variant.
Coding change: c.1142C>T on transcript NM_015650.4 (MANE Select); coding-DNA position 1142, C replaced by T.
Protein change: p.Thr381Met; replaces threonine 381 with methionine.
Molecular consequence: missense variant. On other transcripts: intron variant (1).
Genome position (GRCh38, 1-based): chr2:238,338,440, C>T. VCF-style: chr2-238338440-C-T. GRCh37 (hg19) VCF-style: chr2-239247081-C-T.
Other names: c.1063+4405C>T (NM_001139490.1); short protein forms T381M.
Identifiers: ClinVar variation 960194 (VCV000960194.9), dbSNP rs766887017, ClinGen allele CA2198286.